The following is an entry in ClinVar:

NM_025179.4(PLXNA2):c.2304G>A (p.Gln768=)

Gene: PLXNA2 (plexin A2; minus strand). Cytogenetic location: 1q32.2.
Variant type: single nucleotide variant.
Coding change: c.2304G>A on transcript NM_025179.4 (MANE Select); coding-DNA position 2304, G replaced by A.
Protein change: p.Gln768=; no amino-acid change (glutamine 768 retained).
Molecular consequence: synonymous variant.
Genome position (GRCh38, 1-based): chr1:208,082,503, C>T on the plus strand (G>A on the coding strand, the complement: PLXNA2 is on the minus strand). VCF-style: chr1-208082503-C-T. GRCh37 (hg19) VCF-style: chr1-208255848-C-T.
Identifiers: ClinVar variation 3351886 (VCV003351886.1).

ClinVar aggregate classification (germline): Likely benign (0 of 4 stars; one submission).

Conditions:
PLXNA2-related disorder. Also called: PLXNA2-related condition.

gnomAD v4.1: 14 of 1,613,590 alleles (0.00087%); highest among the groups gnomAD compares: East Asian, 0.027%; no homozygotes.

Submission:

PreventionGenetics, part of Exact Sciences
Classification: Likely benign for PLXNA2-related condition. Last evaluated: 2024-04-22. Review status: no assertion criteria provided. Collection method: clinical testing. Allele origin: germline.
Comment: This variant is classified as likely benign based on ACMG/AMP sequence variant interpretation guidelines (Richards et al. 2015 PMID: 25741868, with internal and published modifications).